The following is an entry in ClinVar:

NM_018418.5(SPATA7):c.878A>C (p.Lys293Thr)

Gene: SPATA7 (spermatogenesis associated 7; plus strand). Cytogenetic location: 14q31.3.
Variant type: single nucleotide variant.
Coding change: c.878A>C on transcript NM_018418.5 (MANE Select); coding-DNA position 878, A replaced by C.
Protein change: p.Lys293Thr; replaces lysine 293 with threonine.
Molecular consequence: missense variant.
Genome position (GRCh38, 1-based): chr14:88,427,662, A>C. VCF-style: chr14-88427662-A-C. GRCh37 (hg19) VCF-style: chr14-88894006-A-C.
Other names: c.878A>C (NM_018418.4); c.782A>C, p.Lys261Thr (NM_001040428.4); short protein forms K261T, K293T.
Identifiers: ClinVar variation 1039934 (VCV001039934.7), dbSNP rs1013670094, ClinGen allele CA264535830.

ClinVar aggregate classification (germline): Uncertain significance. Review status: criteria provided, multiple submitters, no conflicts (2 of 4 stars). 2 submissions from 2 submitters: Uncertain significance (2). Last evaluated 2024-03-05.

Conditions:
Inborn genetic diseases. Identifiers: MedGen C0950123, MeSH D030342.
Leber congenital amaurosis 3 (LCA3). Also called: SPATA7-Related Retinitis Pigmentosa. Identifiers: MedGen C1858677, MONDO:0011415, OMIM 604232.

Allele frequency attached by ClinVar (database versions not stated): gnomAD 0.00003; TOPMed 0.00003.
gnomAD v4.1: 4 of 1,610,350 alleles (0.00025%); highest among the groups gnomAD compares: African/African-American, 0.0053%; no homozygotes.

Submissions (2):

Ambry Genetics
Classification: Uncertain significance for Inborn genetic diseases. Last evaluated: 2024-03-05. Review status: criteria provided, single submitter. Criteria: Ambry Variant Classification Scheme 2023. Collection method: clinical testing. Allele origin: germline.

Labcorp Genetics (formerly Invitae), Labcorp
Classification: Uncertain significance for Leber congenital amaurosis 3. Last evaluated: 2023-11-27. Review status: criteria provided, single submitter. Criteria: Invitae Variant Classification Sherloc (09022015). Collection method: clinical testing. Allele origin: germline.
Comment: This sequence change replaces lysine, which is basic and polar, with threonine, which is neutral and polar, at codon 293 of the SPATA7 protein (p.Lys293Thr). This variant is present in population databases (no rsID available, gnomAD 0.01%). This variant has not been reported in the literature in individuals affected with SPATA7-related conditions. ClinVar contains an entry for this variant (Variation ID: 1039934). Advanced modeling of protein sequence and biophysical properties (such as structural, functional, and spatial information, amino acid conservation, physicochemical variation, residue mobility, and thermodynamic stability) performed at Invitae indicates that this missense variant is not expected to disrupt SPATA7 protein function with a negative predictive value of 80%. In summary, the available evidence is currently insufficient to determine the role of this variant in disease. Therefore, it has been classified as a Variant of Uncertain Significance.